The following is an entry in ClinVar:

NM_001363711.2(DUOX2):c.3061C>T (p.Arg1021Ter)

Gene: DUOX2 (dual oxidase 2; minus strand). Cytogenetic location: 15q21.1.
Variant type: single nucleotide variant.
Coding change: c.3061C>T on transcript NM_001363711.2 (MANE Select); coding-DNA position 3061, C replaced by T.
Protein change: p.Arg1021Ter; replaces arginine 1021 with a stop codon.
Molecular consequence: nonsense.
Genome position (GRCh38, 1-based): chr15:45,100,173, G>A on the plus strand (C>T on the coding strand, the complement: DUOX2 is on the minus strand). VCF-style: chr15-45100173-G-A. GRCh37 (hg19) VCF-style: chr15-45392371-G-A.
Other names: c.3061C>T, p.Arg1021Ter (NM_014080.5); short protein forms R1021*.
Identifiers: ClinVar variation 1803440 (VCV001803440.11), dbSNP rs147452041, ClinGen allele CA7538025.

ClinVar aggregate classification (germline): Pathogenic. Review status: criteria provided, multiple submitters, no conflicts (2 of 4 stars). 4 submissions from 4 submitters: Pathogenic (4). Last evaluated 2026-04-07.

Conditions:
Thyroid dyshormonogenesis 6 (TDH6). Also called: HYPOTHYROIDISM, CONGENITAL, DUE TO DYSHORMONOGENESIS, 6; THYROID HORMONOGENESIS, GENETIC DEFECT IN, 6; Genetic transient congenital hypothyroidism. Identifiers: Orphanet 226316, Orphanet 95716, MedGen C1846632, MONDO:0011792, OMIM 607200.

Allele frequency attached by ClinVar (database versions not stated): 1000 Genomes Project 30x 0.00016; 1000 Genomes Project 0.00020.
gnomAD v4.1: 24 of 1,614,108 alleles (0.0015%); highest among the groups gnomAD compares: African/African-American, 0.004%; no homozygotes.

Submissions (5):

GeneDx
Classification: Pathogenic. Last evaluated: 2026-04-07. Review status: criteria provided, single submitter. Criteria: GeneDx Variant Classification Process June 2021. Collection method: clinical testing. Allele origin: germline.
Comment: Published functional studies demonstrate a reduction in DUOX2 activity compared to wild type (PMID: 34564849); Nonsense variant predicted to result in protein truncation or nonsense mediated decay in a gene for which loss of function is a known mechanism of disease; This variant is associated with the following publications: (PMID: 34200080, 33631011, 34564849, 39029043, Liu2023[Case Report], 29650690)

Labcorp Genetics (formerly Invitae), Labcorp
Classification: Pathogenic. Last evaluated: 2025-03-24. Review status: criteria provided, single submitter. Criteria: Invitae Variant Classification Sherloc (09022015). Collection method: clinical testing. Allele origin: germline.
Comment: This sequence change creates a premature translational stop signal (p.Arg1021*) in the DUOX2 gene. It is expected to result in an absent or disrupted protein product. Loss-of-function variants in DUOX2 are known to be pathogenic (PMID: 12110737, 18765513, 21565790, 24423310, 24735383). This variant is present in population databases (rs147452041, gnomAD 0.007%). This premature translational stop signal has been observed in individual(s) with congenital hypothyroidism (PMID: 29650690). ClinVar contains an entry for this variant (Variation ID: 1803440). For these reasons, this variant has been classified as Pathogenic.

Fulgent Genetics
Classification: Pathogenic for Thyroid dyshormonogenesis 6. Last evaluated: 2024-04-07. Review status: criteria provided, single submitter. Criteria: ACMG Guidelines, 2015. Collection method: clinical testing. Allele origin: germline.

Juno Genomics, Hangzhou Juno Genomics, Inc
Classification: Pathogenic for Thyroid dyshormonogenesis 6. Review status: criteria provided, single submitter. Criteria: ACMG Guidelines, 2015. Collection method: clinical testing. Allele origin: germline.
Comment: Absent from controls (or at extremely low frequency if recessive) in Genome Aggregation Database.;Null variant in a gene where loss of function (LOF) is a known mechanism of disease.;For recessive disorders, detected in trans with a pathogenic variant.

Dr. Peter K. Rogan Lab, Western University
No classification provided (evidence only). Condition: Colon adenocarcinoma. Review status: no classification provided. Collection method: in vitro. Allele origin: not applicable. Functional consequence: retained intron. Not counted in ClinVar's aggregate classification.

Literature cited by the submitters: PubMed 12110737 (cited by Labcorp Genetics (formerly Invitae), Labcorp); PubMed 18765513 (cited by Labcorp Genetics (formerly Invitae), Labcorp); PubMed 21565790 (cited by Labcorp Genetics (formerly Invitae), Labcorp); PubMed 24423310 (cited by Labcorp Genetics (formerly Invitae), Labcorp); PubMed 24735383 (cited by Labcorp Genetics (formerly Invitae), Labcorp); PubMed 29650690 (cited by Labcorp Genetics (formerly Invitae), Labcorp).